The following is an entry in ClinVar:

NM_020921.4(NIN):c.1355G>A (p.Arg452His)

Gene: NIN (ninein; minus strand). Cytogenetic location: 14q22.1.
Variant type: single nucleotide variant.
Coding change: c.1355G>A on transcript NM_020921.4 (MANE Select); coding-DNA position 1355, G replaced by A.
Protein change: p.Arg452His; replaces arginine 452 with histidine.
Molecular consequence: missense variant.
Genome position (GRCh38, 1-based): chr14:50,770,467, C>T on the plus strand (G>A on the coding strand, the complement: NIN is on the minus strand). VCF-style: chr14-50770467-C-T. GRCh37 (hg19) VCF-style: chr14-51237185-C-T.
Other names: c.1355G>A, p.Arg452His (NM_016350.5, NM_182944.3, NM_182946.2); short protein forms R452H.
Identifiers: ClinVar variation 2906470 (VCV002906470.3), dbSNP rs182667346, ClinGen allele CA7182218.

ClinVar aggregate classification (germline): Uncertain significance (1 of 4 stars; one submission).

Allele frequency attached by ClinVar (database versions not stated): gnomAD exomes 0.00002; ExAC 0.00003; gnomAD 0.00003; TOPMed 0.00003.
gnomAD v4.1: 39 of 1,614,098 alleles (0.0024%); highest among the groups gnomAD compares: Middle Eastern, 0.016%; no homozygotes.

Submission:

Labcorp Genetics (formerly Invitae), Labcorp
Classification: Uncertain significance. Last evaluated: 2023-07-21. Review status: criteria provided, single submitter. Criteria: Invitae Variant Classification Sherloc (09022015). Collection method: clinical testing. Allele origin: germline.
Comment: This sequence change replaces arginine, which is basic and polar, with histidine, which is basic and polar, at codon 452 of the NIN protein (p.Arg452His). This variant is present in population databases (rs182667346, gnomAD 0.005%). This variant has not been reported in the literature in individuals affected with NIN-related conditions. Algorithms developed to predict the effect of missense changes on protein structure and function output the following: SIFT: "Not Available"; PolyPhen-2: "Possibly Damaging"; Align-GVGD: "Not Available". The histidine amino acid residue is found in multiple mammalian species, which suggests that this missense change does not adversely affect protein function. In summary, the available evidence is currently insufficient to determine the role of this variant in disease. Therefore, it has been classified as a Variant of Uncertain Significance.